The following is an entry in ClinVar:

ClinVar aggregate classification (germline): Uncertain significance (1 of 4 stars; one submission).

Submission:

Dasa
Classification: Uncertain significance. Last evaluated: 2024-12-12. Review status: criteria provided, single submitter. Criteria: DASA Assertion Criteria. Collection method: clinical testing. Allele origin: germline.
Comment: NM_000937.5(POLR2A):c.1966T>A (p.Ser656Thr) is a missense variant that results in the substitution of serine with threonine. This variant is absent from population databases. The currently available literature and clinical evidence are not sufficient to establish a definitive association between this variant and the reported condition. Therefore, this variant is classified as a variant of uncertain significance.

NM_000937.5(POLR2A):c.1966T>A (p.Ser656Thr)

Gene: POLR2A (RNA polymerase II subunit A; plus strand). Cytogenetic location: 17p13.1.
Variant type: single nucleotide variant.
Coding change: c.1966T>A on transcript NM_000937.5 (MANE Select); coding-DNA position 1966, T replaced by A.
Protein change: p.Ser656Thr; replaces serine 656 with threonine.
Molecular consequence: missense variant.
Genome position (GRCh38, 1-based): chr17:7,501,024, T>A. VCF-style: chr17-7501024-T-A. GRCh37 (hg19) VCF-style: chr17-7404343-T-A.
Other names: short protein forms S656T.
Identifiers: ClinVar variation 4883459 (VCV004883459.2).